The following is an entry in ClinVar:

ClinVar aggregate classification (germline): Uncertain significance. Review status: criteria provided, multiple submitters, no conflicts (2 of 4 stars). 2 submissions from 2 submitters: Uncertain significance (2). Last evaluated 2021-10-14.

Conditions:
Primary ciliary dyskinesia. Also called: Ciliary dyskinesia. Identifiers: Orphanet 244, MedGen C0008780, MONDO:0016575, HP:0012265.

Allele frequency attached by ClinVar (database versions not stated): TOPMed 0.00001; ExAC 0.00002; gnomAD exomes 0.00002; gnomAD 0.00001.
gnomAD v4.1: 13 of 1,572,538 alleles (0.00083%); highest among the groups gnomAD compares: Non-Finnish European, 0.00096%; no homozygotes.

Submissions (2):

Labcorp Genetics (formerly Invitae), Labcorp
Classification: Uncertain significance for Primary ciliary dyskinesia. Last evaluated: 2021-10-14. Review status: criteria provided, single submitter. Criteria: Invitae Variant Classification Sherloc (09022015). Collection method: clinical testing. Allele origin: germline.
Comment: This sequence change replaces glutamic acid with lysine at codon 306 of the RSPH4A protein (p.Glu306Lys). The glutamic acid residue is highly conserved and there is a small physicochemical difference between glutamic acid and lysine. This variant is present in population databases (rs781463706, ExAC 0.003%). This variant has not been reported in the literature in individuals affected with RSPH4A-related conditions. Algorithms developed to predict the effect of missense changes on protein structure and function are either unavailable or do not agree on the potential impact of this missense change (SIFT: "Deleterious"; PolyPhen-2: "Probably Damaging"; Align-GVGD: "Class C0"). In summary, the available evidence is currently insufficient to determine the role of this variant in disease. Therefore, it has been classified as a Variant of Uncertain Significance.

Ambry Genetics
Classification: Uncertain significance for Primary ciliary dyskinesia. Last evaluated: 2015-01-16. Review status: criteria provided, single submitter. Criteria: Ambry Variant Classification Scheme 2023. Collection method: clinical testing. Allele origin: germline.
Comment: The p.E306K variant (also known as c.916G>A), located in coding exon 2 of the RSPH4A gene, results from a G to A substitution at nucleotide position 916. The glutamic acid at codon 306 is replaced by lysine, an amino acid with similar properties. This variant was not reported in population based cohorts in the following databases: Database of Single Nucleotide Polymorphisms (dbSNP), NHLBI Exome Sequencing Project (ESP), and 1000 Genomes Project. In the ESP, this variant was not observed in 6503 samples (13006 alleles) with coverage at this position. This amino acid position is highly conserved in available vertebrate species. In addition, this alteration is predicted to be tolerated by in silico analysis. Since supporting evidence is limited at this time, the clinical significance of this variant remains unclear.

NM_001010892.3(RSPH4A):c.916G>A (p.Glu306Lys)

Gene: RSPH4A (radial spoke head component 4A; plus strand). Cytogenetic location: 6q22.1.
Variant type: single nucleotide variant.
Coding change: c.916G>A on transcript NM_001010892.3 (MANE Select); coding-DNA position 916, G replaced by A.
Protein change: p.Glu306Lys; replaces glutamic acid 306 with lysine.
Molecular consequence: missense variant.
Genome position (GRCh38, 1-based): chr6:116,622,997, G>A. VCF-style: chr6-116622997-G-A. GRCh37 (hg19) VCF-style: chr6-116944160-G-A.
Other names: c.916G>A, p.Glu306Lys (NM_001161664.2); short protein forms E306K.
Identifiers: ClinVar variation 1385877 (VCV001385877.7), dbSNP rs781463706, ClinGen allele CA3970850.
Genomic context (GRCh38, chr6:116,622,997, plus strand): 5'-AAGCAAAAGGCTCTTTTTCTCCAGGGACATTTGGAAGGAGTTGACCAAGAATTGGAAGAT[G>A]AAATAGTAAGTCACTACTACAAATTTTAATAATAAACCTTAGGATTTTATTTGGGACGAA-3'
Protein context (NP_001010892.1, residues 296-316): LEGVDQELED[Glu306Lys]IAENALPNVM